The following is an entry in ClinVar:

NM_007294.4(BRCA1):c.5161_5163del (p.Gln1721del)

Gene: BRCA1 (BRCA1 DNA repair associated; minus strand). Cytogenetic location: 17q21.31.
Variant type: Deletion.
Coding change: c.5161_5163del on transcript NM_007294.4 (MANE Select); coding-DNA positions 5161 to 5163, 3 bases deleted (CAG; older notation c.5161_5163delCAG).
Protein change: p.Gln1721del; deletes glutamine 1721.
Molecular consequence: inframe deletion. On other transcripts: inframe indel (365), non-coding transcript variant (1).
Genome position (GRCh38, 1-based): chr17:43,063,363-43,063,365, CTG deleted on the plus strand (CAG on the coding strand, the reverse complement: BRCA1 is on the minus strand). VCF-style (leftmost placement, unchanged base first): chr17-43063362-ACTG-A. GRCh37 (hg19) VCF-style: chr17-41215379-ACTG-A.
Other names: c.5017_5019delCAG, p.Gln1673del (NM_001407751.1, NM_001407752.1, NM_001407943.1 and 21 more transcripts); c.5014_5016delCAG, p.Gln1672del (NM_001407838.1, NM_001407839.1, NM_001407841.1 and 12 more transcripts); c.5161_5163delCAG, p.Gln1721del (NM_001407854.1, NM_001407593.1, NM_001407594.1 and 7 more transcripts); c.5158_5160delCAG, p.Gln1720del (NM_001407858.1, NM_001407859.1, NM_001407860.1 and 17 more transcripts); c.5155_5157delCAG, p.Gln1719del (NM_001407861.1, NM_001407628.1, NM_001407629.1 and 14 more transcripts); c.4960_4962delCAG, p.Gln1654del (NM_001407862.1); c.4957_4959delCAG, p.Gln1653del (NM_001407863.1); c.4951_4953delCAG, p.Gln1651del (NM_001407887.1, NM_001407889.1, NM_001407879.1 and 5 more transcripts); and 75 more; short protein forms Q1721del, Q1674del, Q1742del, Q617del, Q1552del, Q1593del, Q1609del, Q1633del.
Identifiers: ClinVar variation 55439 (VCV000055439.4), dbSNP rs80358346, ClinGen allele CA003313.
Genomic context (GRCh38, chr17:43,063,362, plus strand): 5'-CTCTGGTTAGTTTGTAACATCAAGTACTTACCTCATTCAGCATTTTTCTTTCTTTAATAG[ACTG>A]GGTCACCCCTAAAGAGATCATAGAAAAGACAGGTTACATACAGCAGAAGAACGTGCTCTT-3'

ClinVar aggregate classification (germline): Uncertain significance. Review status: criteria provided, single submitter (1 of 4 stars). 2 submissions from 2 submitters: Uncertain significance (1). 1 of the submissions does not count toward it. Last evaluated 2016-07-21.

Conditions:
Breast-ovarian cancer, familial, susceptibility to, 1 (BROVCA1). Also called: BRCA1 Hereditary Breast and Ovarian Cancer; OVARIAN CANCER, SUSCEPTIBILITY TO. Identifiers: Orphanet 145, MedGen C2676676, MONDO:0011450, OMIM 604370. Disease mechanism: loss of function.

Submissions (2):

GeneDx
Classification: Uncertain significance. Last evaluated: 2016-07-21. Review status: criteria provided, single submitter. Criteria: GeneDx Variant Classification (06012015). Collection method: clinical testing. Allele origin: germline. Affected: yes.
Comment: This in-frame deletion of 3 nucleotides in BRCA1 is denoted c.5161_5163delCAG at the cDNA level and p.Gln1721del (Q1721del) at the protein level. The normal sequence, with the bases that are deleted in braces, is GACC[CAG]TCTA. This deletion of a single Glutamine residue occurs at a position that is not conserved and is located in the BRCT 1 domain as well as a region known to interact with multiple other proteins (Paul 2014, UniProt). Since in-frame deletions may or may not inhibit proper protein functioning, the clinical significance of this finding remains unclear at this time, and we consider BRCA1 Gln1721del to be a variant of uncertain significance.

Breast Cancer Information Core (BIC) (BRCA1)
Classification: Uncertain significance for Breast-ovarian cancer, familial 1. Last evaluated: 1999-12-30. Review status: no assertion criteria provided. Collection method: clinical testing. Allele origin: germline, unknown. Affected: yes. Observed: 3 variant alleles. Not counted in ClinVar's aggregate classification.